The following is an entry in ClinVar:

NC_000012.12:g.121641281A>G

Gene: ORAI1 (ORAI calcium release-activated calcium modulator 1; plus strand). Cytogenetic location: 12q24.31.
Variant type: single nucleotide variant.
Genome position: GRCh38 VCF-style: chr12-121641281-A-G. GRCh37 (hg19) VCF-style: chr12-122079187-A-G.
Other names: c.544A>G, p.Ile182Val (NM_032790.4); short protein forms I182V.
Identifiers: ClinVar variation 1922764 (VCV001922764.5), dbSNP rs1266070960, ClinGen allele CA386983523.

ClinVar aggregate classification (germline): Uncertain significance (1 of 4 stars; one submission).

Conditions:
Myopathy, tubular aggregate, 2 (TAM2). Identifiers: MedGen C4014557, MONDO:0014383, OMIM 615883.
Combined immunodeficiency due to ORAI1 deficiency. Also called: IMMUNODEFICIENCY 9. Identifiers: Orphanet 169090, Orphanet 317428, MedGen C2748568, MONDO:0013007, OMIM 612782.

Allele frequency attached by ClinVar (database versions not stated): gnomAD exomes 0.00001; gnomAD 0.00001; TOPMed 0.00001.

Submission:

Labcorp Genetics (formerly Invitae), Labcorp
Classification: Uncertain significance for Myopathy, tubular aggregate, 2; Combined immunodeficiency due to ORAI1 deficiency. Last evaluated: 2025-04-14. Review status: criteria provided, single submitter. Criteria: Invitae Variant Classification Sherloc (09022015). Collection method: clinical testing. Allele origin: germline.
Comment: This sequence change replaces isoleucine, which is neutral and non-polar, with valine, which is neutral and non-polar, at codon 182 of the ORAI1 protein (p.Ile182Val). This variant is present in population databases (no rsID available, gnomAD 0.003%). This variant has not been reported in the literature in individuals affected with ORAI1-related conditions. ClinVar contains an entry for this variant (Variation ID: 1922764). Experimental studies and prediction algorithms are not available or were not evaluated, and the functional significance of this variant is currently unknown. In summary, the available evidence is currently insufficient to determine the role of this variant in disease. Therefore, it has been classified as a Variant of Uncertain Significance.